The following is an entry in ClinVar:

ClinVar aggregate classification (germline): Uncertain significance. Review status: criteria provided, multiple submitters, no conflicts (2 of 4 stars). 2 submissions from 2 submitters: Uncertain significance (2). Last evaluated 2024-02-06.

Conditions:
Hereditary cancer-predisposing syndrome. Also called: Hereditary neoplastic syndrome; Tumor predisposition; Neoplastic Syndromes, Hereditary; Hereditary Cancer Syndrome. Identifiers: Orphanet 140162, MedGen C0027672, MeSH D009386, MONDO:0015356.

Allele frequency attached by ClinVar (database versions not stated): gnomAD exomes 0.00001.
gnomAD v4.1: 3 of 1,609,378 alleles (0.00019%); highest among the groups gnomAD compares: African/African-American, 0.0013%; no homozygotes.

Submissions (2):

Ambry Genetics
Classification: Uncertain significance for Hereditary cancer-predisposing syndrome. Last evaluated: 2024-02-06. Review status: criteria provided, single submitter. Criteria: Ambry Variant Classification Scheme 2023. Collection method: clinical testing. Allele origin: germline.
Comment: The p.S565L variant (also known as c.1694C>T), located in coding exon 11 of the RAD50 gene, results from a C to T substitution at nucleotide position 1694. The serine at codon 565 is replaced by leucine, an amino acid with dissimilar properties. This nucleotide position is well conserved in available vertebrate species. This amino acid position is well conserved in available vertebrate species. In addition, this alteration is predicted to be tolerated by in silico analysis. Since supporting evidence is limited at this time, the clinical significance of this alteration remains unclear.

Labcorp Genetics (formerly Invitae), Labcorp
Classification: Uncertain significance for Hereditary cancer-predisposing syndrome. Last evaluated: 2023-05-04. Review status: criteria provided, single submitter. Criteria: Invitae Variant Classification Sherloc (09022015). Collection method: clinical testing. Allele origin: germline.
Comment: This sequence change replaces serine, which is neutral and polar, with leucine, which is neutral and non-polar, at codon 565 of the RAD50 protein (p.Ser565Leu). This variant is not present in population databases (gnomAD no frequency). This variant has not been reported in the literature in individuals affected with RAD50-related conditions. ClinVar contains an entry for this variant (Variation ID: 571930). Advanced modeling of protein sequence and biophysical properties (such as structural, functional, and spatial information, amino acid conservation, physicochemical variation, residue mobility, and thermodynamic stability) performed at Invitae indicates that this missense variant is not expected to disrupt RAD50 protein function. In summary, the available evidence is currently insufficient to determine the role of this variant in disease. Therefore, it has been classified as a Variant of Uncertain Significance.

NM_005732.4(RAD50):c.1694C>T (p.Ser565Leu)

Gene: RAD50 (RAD50 double strand break repair protein; plus strand). Cytogenetic location: 5q31.1.
Variant type: single nucleotide variant.
Coding change: c.1694C>T on transcript NM_005732.4 (MANE Select); coding-DNA position 1694, C replaced by T.
Protein change: p.Ser565Leu; replaces serine 565 with leucine.
Molecular consequence: missense variant.
Genome position (GRCh38, 1-based): chr5:132,591,935, C>T. VCF-style: chr5-132591935-C-T. GRCh37 (hg19) VCF-style: chr5-131927627-C-T.
Other names: short protein forms S565L.
Identifiers: ClinVar variation 571930 (VCV000571930.11), dbSNP rs1561641061, ClinGen allele CA360946450.